The following is an entry in ClinVar:

NM_000383.4(AIRE):c.1564G>A (p.Glu522Lys)

Genes: AIRE (autoimmune regulator; plus strand), LOC130066813 (ATAC-STARR-seq lymphoblastoid silent region 13378; plus strand). Cytogenetic location: 21q22.3.
Variant type: single nucleotide variant.
Coding change: c.1564G>A on transcript NM_000383.4 (MANE Select); coding-DNA position 1564, G replaced by A.
Protein change: p.Glu522Lys; replaces glutamic acid 522 with lysine.
Molecular consequence: missense variant.
Genome position (GRCh38, 1-based): chr21:44,296,443, G>A. VCF-style: chr21-44296443-G-A. GRCh37 (hg19) VCF-style: chr21-45716326-G-A.
Other names: c.1564G>A (NM_000383.3); short protein forms E522K.
Identifiers: ClinVar variation 2191342 (VCV002191342.4), dbSNP rs866387711, ClinGen allele CA321797662.

ClinVar aggregate classification (germline): Uncertain significance. Review status: criteria provided, single submitter (1 of 4 stars). 2 submissions from 2 submitters: Uncertain significance (1). 1 of the submissions does not count toward it. Last evaluated 2024-10-02.

Conditions:
AIRE-related disorder. Also called: AIRE-related condition.
Polyglandular autoimmune syndrome, type 1 (APS1). Also called: PGA I; Autoimmune polyendocrine syndrome type 1; HYPOADRENOCORTICISM WITH HYPOPARATHYROIDISM AND SUPERFICIAL MONILIASIS; Whitaker syndrome; Autoimmune polyendocrinopathy syndrome, type I; AUTOIMMUNE POLYENDOCRINE SYNDROME, TYPE I, WITH OR WITHOUT REVERSIBLE METAPHYSEAL DYSPLASIA. Identifiers: Orphanet 3453, MedGen C0085859, MONDO:0009411, OMIM 240300.

Allele frequency attached by ClinVar (database versions not stated): TOPMed below 0.00001; gnomAD 0.00003.
gnomAD v4.1: 10 of 1,612,164 alleles (0.00062%); highest among the groups gnomAD compares: Admixed American, 0.0067%; no homozygotes.

Submissions (2):

Labcorp Genetics (formerly Invitae), Labcorp
Classification: Uncertain significance for Polyglandular autoimmune syndrome, type 1. Last evaluated: 2024-10-02. Review status: criteria provided, single submitter. Criteria: Invitae Variant Classification Sherloc (09022015). Collection method: clinical testing. Allele origin: germline.
Comment: This sequence change replaces glutamic acid, which is acidic and polar, with lysine, which is basic and polar, at codon 522 of the AIRE protein (p.Glu522Lys). This variant is present in population databases (no rsID available, gnomAD 0.01%). This variant has not been reported in the literature in individuals affected with AIRE-related conditions. ClinVar contains an entry for this variant (Variation ID: 2191342). An algorithm developed to predict the effect of missense changes on protein structure and function (PolyPhen-2) suggests that this variant is likely to be disruptive. In summary, the available evidence is currently insufficient to determine the role of this variant in disease. Therefore, it has been classified as a Variant of Uncertain Significance.

PreventionGenetics, part of Exact Sciences
Classification: Uncertain significance for AIRE-related condition. Last evaluated: 2024-05-31. Review status: no assertion criteria provided. Collection method: clinical testing. Allele origin: germline. Not counted in ClinVar's aggregate classification.
Comment: The AIRE c.1564G>A variant is predicted to result in the amino acid substitution p.Glu522Lys. To our knowledge, this variant has not been reported in the literature. This variant is reported in 0.011% of alleles in individuals of Latino descent in gnomAD. At this time, the clinical significance of this variant is uncertain due to the absence of conclusive functional and genetic evidence.